The following is an entry in ClinVar:

ClinVar aggregate classification (germline): Uncertain significance (1 of 4 stars; one submission).

Allele frequency attached by ClinVar (database versions not stated): gnomAD exomes below 0.00001; TOPMed below 0.00001; ExAC 0.00001; gnomAD 0.00001; ESP Exome Variant Server 0.00008.
gnomAD v4.1: 2 of 1,614,040 alleles (0.00012%); highest among the groups gnomAD compares: Non-Finnish European, 0.00017%; no homozygotes.

Submission:

Labcorp Genetics (formerly Invitae), Labcorp
Classification: Uncertain significance. Last evaluated: 2021-10-11. Review status: criteria provided, single submitter. Criteria: Invitae Variant Classification Sherloc (09022015). Collection method: clinical testing. Allele origin: germline.
Comment: In summary, the available evidence is currently insufficient to determine the role of this variant in disease. Therefore, it has been classified as a Variant of Uncertain Significance. Algorithms developed to predict the effect of missense changes on protein structure and function are either unavailable or do not agree on the potential impact of this missense change (SIFT: "Deleterious"; PolyPhen-2: "Probably Damaging"; Align-GVGD: "Class C0"). This variant has not been reported in the literature in individuals affected with PRPF4-related conditions. This variant is present in population databases (rs369899984, ExAC 0.001%). This sequence change replaces glycine with tryptophan at codon 116 of the PRPF4 protein (p.Gly116Trp). The glycine residue is moderately conserved and there is a large physicochemical difference between glycine and tryptophan.

NM_001244926.2(PRPF4):c.343G>T (p.Gly115Trp)

Gene: PRPF4 (pre-mRNA splicing tri-snRNP complex factor PRPF4; plus strand). Cytogenetic location: 9q32.
Variant type: single nucleotide variant.
Coding change: c.343G>T on transcript NM_001244926.2 (MANE Select); coding-DNA position 343, G replaced by T.
Protein change: p.Gly115Trp; replaces glycine 115 with tryptophan.
Molecular consequence: missense variant. On other transcripts: 5 prime UTR variant (2), non-coding transcript variant (2).
Genome position (GRCh38, 1-based): chr9:113,279,082, G>T. VCF-style: chr9-113279082-G-T. GRCh37 (hg19) VCF-style: chr9-116041362-G-T.
Other names: c.-423G>T (NM_001322266.2, NM_001322267.2); c.346G>T, p.Gly116Trp (NM_004697.5); short protein forms G116W, G115W.
Identifiers: ClinVar variation 1348636 (VCV001348636.6), dbSNP rs369899984, ClinGen allele CA5194827.
Genomic context (GRCh38, chr9:113,279,082, plus strand): 5'-GCCCGGCAGATCAATGTTTCCACAGATGACTCAGAGGTCAAAGCTTGCCTTAGAGCCTTG[G>T]GGGAACCCATCACACTTTTTGGAGAGGGTCCTGCTGAAAGAAGAGAAAGGTTGCCTTTCT-3'
Protein context (NP_001231855.1, residues 105-125): SEVKACLRAL[Gly115Trp]EPITLFGEGP